The following is an entry in ClinVar:

NM_201384.3(PLEC):c.2676C>G (p.Ser892Arg)

Gene: PLEC (plectin; minus strand). Cytogenetic location: 8q24.3.
Variant type: single nucleotide variant.
Coding change: c.2676C>G on transcript NM_201384.3 (MANE Select); coding-DNA position 2676, C replaced by G.
Protein change: p.Ser892Arg; replaces serine 892 with arginine.
Molecular consequence: missense variant.
Genome position (GRCh38, 1-based): chr8:143,929,999, G>C on the plus strand (C>G on the coding strand, the complement: PLEC is on the minus strand). VCF-style: chr8-143929999-G-C. GRCh37 (hg19) VCF-style: chr8-145004167-G-C.
Other names: c.2757C>G (NM_000445.3); c.2757C>G, p.Ser919Arg (NM_000445.5); c.2634C>G, p.Ser878Arg (NM_201378.4); c.2610C>G, p.Ser870Arg (NM_201379.3); c.3087C>G, p.Ser1029Arg (NM_201380.4); c.2580C>G, p.Ser860Arg (NM_201381.3); c.2676C>G, p.Ser892Arg (NM_201382.4); c.2688C>G, p.Ser896Arg (NM_201383.3); short protein forms S1029R, S860R, S870R, S878R, S892R, S896R, S919R.
Identifiers: ClinVar variation 1008103 (VCV001008103.10), dbSNP rs782309376, ClinGen allele CA4927420.
Genomic context (GRCh38, chr8:143,929,999, plus strand): 5'-GGCCAGGGACCAGGAGCGGATGAGCTGCACGTCGCGGCGAAGGCTCTGCCAGGCCAGAAG[G>C]CTCTTCATGTCCACGTGCAACTGGTGCCACAGCGTGACCAGGGCCTGGTGCTGGGCCTCC-3'
Protein context (NP_958786.1, residues 882-902): LWHQLHVDMK[Ser892Arg]LLAWQSLRRD

ClinVar aggregate classification (germline): Uncertain significance. Review status: criteria provided, multiple submitters, no conflicts (2 of 4 stars). 4 submissions from 4 submitters: Uncertain significance (4). Last evaluated 2025-08-08.

Conditions:
Epidermolysis bullosa simplex 5B, with muscular dystrophy (EBS5B). Also called: Epidermolysis bullosa simplex with muscular dystrophy; EPIDERMOLYSIS BULLOSA SIMPLEX AND LIMB-GIRDLE MUSCULAR DYSTROPHY. Identifiers: Orphanet 257, MedGen C2931072, MONDO:0009181, OMIM 226670.
Epidermolysis bullosa simplex, Ogna type (EBS5A). Also called: Pidermolysis bullosa simplex 5A, Ogna type; EPIDERMOLYSIS BULLOSA SIMPLEX 5A, OGNA TYPE. Identifiers: Orphanet 79401, MedGen C0432317, MONDO:0007555, OMIM 131950.
Epidermolysis bullosa simplex 5C, with pyloric atresia (EBS5C). Also called: PLEC-Related Epidermolysis Bullosa with Pyloric Atresia; Epidermolysis bullosa simplex with pyloric atresia; PLEC1-Related Epidermolysis Bullosa with Pyloric Atresia. Identifiers: Orphanet 158684, MedGen C2677349, MONDO:0012807, OMIM 612138.
Autosomal recessive limb-girdle muscular dystrophy type 2Q (LGMDR17). Also called: MUSCULAR DYSTROPHY, LIMB-GIRDLE, AUTOSOMAL RECESSIVE 17. Identifiers: Orphanet 254361, MedGen C3150989, MONDO:0013390, OMIM 613723.
Epidermolysis bullosa simplex with nail dystrophy (EBS5D). Identifiers: MedGen C4225309, MONDO:0014661, OMIM 616487.
Inborn genetic diseases. Identifiers: MedGen C0950123, MeSH D030342.

Allele frequency attached by ClinVar (database versions not stated): gnomAD exomes 0.00001 and 0.00005; TOPMed 0.00003; ExAC 0.00004.
gnomAD v4.1: 14 of 1,612,204 alleles (0.00087%); highest among the groups gnomAD compares: Admixed American, 0.02%; no homozygotes.

Submissions (4):

Ambry Genetics
Classification: Uncertain significance for Inborn genetic diseases. Last evaluated: 2025-08-08. Review status: criteria provided, single submitter. Criteria: Ambry Variant Classification Scheme 2023. Collection method: clinical testing. Allele origin: germline.

GeneDx
Classification: Uncertain significance. Last evaluated: 2023-05-09. Review status: criteria provided, single submitter. Criteria: GeneDx Variant Classification Process June 2021. Collection method: clinical testing. Allele origin: germline. Affected: yes.
Comment: In silico analysis supports that this missense variant has a deleterious effect on protein structure/function; Missense variant in a gene in which most reported pathogenic variants are truncating/loss of function; Has not been previously published as a pathogenic or benign germline variant to our knowledge; This variant is associated with the following publications: (PMID: 24909177)

Labcorp Genetics (formerly Invitae), Labcorp
Classification: Uncertain significance for Autosomal recessive limb-girdle muscular dystrophy type 2Q; Epidermolysis bullosa simplex, Ogna type; Epidermolysis bullosa simplex with nail dystrophy; Epidermolysis bullosa simplex 5C, with pyloric atresia; Epidermolysis bullosa simplex 5B, with muscular dystrophy. Last evaluated: 2023-04-12. Review status: criteria provided, single submitter. Criteria: Invitae Variant Classification Sherloc (09022015). Collection method: clinical testing. Allele origin: germline.
Comment: Advanced modeling of protein sequence and biophysical properties (such as structural, functional, and spatial information, amino acid conservation, physicochemical variation, residue mobility, and thermodynamic stability) performed at Invitae indicates that this missense variant is not expected to disrupt PLEC protein function. ClinVar contains an entry for this variant (Variation ID: 1008103). This variant has not been reported in the literature in individuals affected with PLEC-related conditions. This variant is present in population databases (rs782309376, gnomAD 0.04%). This sequence change replaces serine, which is neutral and polar, with arginine, which is basic and polar, at codon 919 of the PLEC protein (p.Ser919Arg). In summary, the available evidence is currently insufficient to determine the role of this variant in disease. Therefore, it has been classified as a Variant of Uncertain Significance.

Revvity Omics, Revvity
Classification: Uncertain significance. Last evaluated: 2021-02-11. Review status: criteria provided, single submitter. Criteria: ACMG Guidelines, 2015. Collection method: clinical testing. Allele origin: germline.